The following is an entry in ClinVar:

NM_001287.6(CLCN7):c.800C>T (p.Thr267Met)

Gene: CLCN7 (chloride voltage-gated channel 7; minus strand). Cytogenetic location: 16p13.3.
Variant type: single nucleotide variant.
Coding change: c.800C>T on transcript NM_001287.6 (MANE Select); coding-DNA position 800, C replaced by T.
Protein change: p.Thr267Met; replaces threonine 267 with methionine.
Molecular consequence: missense variant.
Genome position (GRCh38, 1-based): chr16:1,457,276, G>A on the plus strand (C>T on the coding strand, the complement: CLCN7 is on the minus strand). VCF-style: chr16-1457276-G-A. GRCh37 (hg19) VCF-style: chr16-1507277-G-A.
Other names: c.728C>T, p.Thr243Met (NM_001114331.3); short protein forms T267M, T243M.
Identifiers: ClinVar variation 1523875 (VCV001523875.8), dbSNP rs1173635757, ClinGen allele CA394191019.

ClinVar aggregate classification (germline): Uncertain significance (1 of 4 stars; one submission).

Allele frequency attached by ClinVar (database versions not stated): gnomAD exomes below 0.00001; TOPMed 0.00001.

Submission:

Labcorp Genetics (formerly Invitae), Labcorp
Classification: Uncertain significance. Last evaluated: 2025-04-17. Review status: criteria provided, single submitter. Criteria: Invitae Variant Classification Sherloc (09022015). Collection method: clinical testing. Allele origin: germline.
Comment: This sequence change replaces threonine, which is neutral and polar, with methionine, which is neutral and non-polar, at codon 267 of the CLCN7 protein (p.Thr267Met). This variant is present in population databases (no rsID available, gnomAD 0.002%). This missense change has been observed in individual(s) with CLCN7-related conditions (PMID: 33057194, 35982159). ClinVar contains an entry for this variant (Variation ID: 1523875). Invitae Evidence Modeling of protein sequence and biophysical properties (such as structural, functional, and spatial information, amino acid conservation, physicochemical variation, residue mobility, and thermodynamic stability) indicates that this missense variant is not expected to disrupt CLCN7 protein function with a negative predictive value of 95%. In summary, the available evidence is currently insufficient to determine the role of this variant in disease. Therefore, it has been classified as a Variant of Uncertain Significance.

Literature cited by the submitters: PubMed 33057194; PubMed 35982159.